The following is an entry in ClinVar:

NM_001915.4(CYB561):c.-13-2648G>A

Gene: CYB561 (cytochrome b561; minus strand). Cytogenetic location: 17q23.3.
Variant type: single nucleotide variant.
Coding change: c.-13-2648G>A on transcript NM_001915.4 (MANE Select); 2648 bases into the intron before 13 bases upstream of the start codon, G replaced by A.
Molecular consequence: intron variant. On other transcripts: 5 prime UTR variant (1).
Genome position (GRCh38, 1-based): chr17:63,440,208, C>T on the plus strand (G>A on the coding strand, the complement: CYB561 is on the minus strand). VCF-style: chr17-63440208-C-T. GRCh37 (hg19) VCF-style: chr17-61517569-C-T.
Other names: c.-9G>A (NM_001330421.2); c.-13-2648G>A (NM_001017916.2); c.-14+519G>A (NM_001017917.2).
Identifiers: ClinVar variation 3056754 (VCV003056754.2), dbSNP rs72845004, ClinGen allele CA8698930.
Genomic context (GRCh38, chr17:63,440,208, plus strand): 5'-CCAAATTCAAGCCCCATTTCTGACGGTTCACTACTCATCTCTACCTGGACATCCCACAGA[C>T]GCTTCAAACCCAGCTCGTCCCAAGTCACCTTCTCTCCCATCGTCGCCAAGTTCTCTCATG-3'

ClinVar aggregate classification (germline): Benign (0 of 4 stars; one submission).

Conditions:
CYB561-related disorder. Also called: CYB561-related condition.

Allele frequency attached by ClinVar (database versions not stated): 1000 Genomes Project 0.00998; 1000 Genomes Project 30x 0.01062; TOPMed 0.01703; gnomAD 0.01908; gnomAD exomes 0.02363; ExAC 0.05882.
gnomAD v4.1: 8,668 of 398,780 alleles (2.2%); highest among the groups gnomAD compares: Middle Eastern, 4%; 127 homozygotes.

Submission:

PreventionGenetics, part of Exact Sciences
Classification: Benign for CYB561-related condition. Last evaluated: 2019-02-22. Review status: no assertion criteria provided. Collection method: clinical testing. Allele origin: germline.
Comment: This variant is classified as benign based on ACMG/AMP sequence variant interpretation guidelines (Richards et al. 2015 PMID: 25741868, with internal and published modifications).